The following is an entry in ClinVar:

NM_015047.3(EMC1):c.812G>A (p.Gly271Glu)

Genes: EMC1 (ER membrane protein complex subunit 1; minus strand), EMC1-AS1 (EMC1 antisense RNA 1; plus strand). Cytogenetic location: 1p36.13.
Variant type: single nucleotide variant.
Coding change: c.812G>A on transcript NM_015047.3 (MANE Select); coding-DNA position 812, G replaced by A.
Protein change: p.Gly271Glu; replaces glycine 271 with glutamic acid.
Molecular consequence: missense variant.
Genome position (GRCh38, 1-based): chr1:19,239,960, C>T on the plus strand (G>A on the coding strand, the complement: EMC1 is on the minus strand). VCF-style: chr1-19239960-C-T. GRCh37 (hg19) VCF-style: chr1-19566454-C-T.
Other names: c.812G>A, p.Gly271Glu (NM_001271427.2, NM_001271428.2, NM_001375820.1 and 1 more transcripts); c.746G>A, p.Gly249Glu (NM_001271429.2); short protein forms G249E, G271E.
Identifiers: ClinVar variation 1504404 (VCV001504404.6), dbSNP rs199938439, ClinGen allele CA18822054.

ClinVar aggregate classification (germline): Uncertain significance (1 of 4 stars; one submission).

Allele frequency attached by ClinVar (database versions not stated): gnomAD 0.00001; 1000 Genomes Project 30x 0.00016; 1000 Genomes Project 0.00020.
gnomAD v4.1: 3 of 1,612,598 alleles (0.00019%); highest among the groups gnomAD compares: African/African-American, 0.004%; no homozygotes.

Submission:

Labcorp Genetics (formerly Invitae), Labcorp
Classification: Uncertain significance. Last evaluated: 2021-11-18. Review status: criteria provided, single submitter. Criteria: Invitae Variant Classification Sherloc (09022015). Collection method: clinical testing. Allele origin: germline.
Comment: This variant is not present in population databases (gnomAD no frequency). In summary, the available evidence is currently insufficient to determine the role of this variant in disease. Therefore, it has been classified as a Variant of Uncertain Significance. Algorithms developed to predict the effect of missense changes on protein structure and function output the following: SIFT: "Deleterious"; PolyPhen-2: "Benign"; Align-GVGD: "Class C0". The glutamic acid amino acid residue is found in multiple mammalian species, which suggests that this missense change does not adversely affect protein function. This variant has not been reported in the literature in individuals affected with EMC1-related conditions. This sequence change replaces glycine, which is neutral and non-polar, with glutamic acid, which is acidic and polar, at codon 271 of the EMC1 protein (p.Gly271Glu).